The following is an entry in ClinVar:

NM_016065.4(MRPS16):c.-103G>T

Genes: MRPS16 (mitochondrial ribosomal protein S16; minus strand), DNAJC9-AS1 (DNAJC9 and MRPS16 antisense RNA 1; plus strand). Cytogenetic location: 10q22.2.
Variant type: single nucleotide variant.
Coding change: c.-103G>T on transcript NM_016065.4 (MANE Select); 103 bases upstream of the start codon, G replaced by T.
Molecular consequence: 5 prime UTR variant.
Genome position (GRCh38, 1-based): chr10:73,252,585, C>A on the plus strand (G>T on the coding strand, the complement: MRPS16 is on the minus strand). VCF-style: chr10-73252585-C-A. GRCh37 (hg19) VCF-style: chr10-75012343-C-A.
Identifiers: ClinVar variation 300728 (VCV000300728.3), dbSNP rs11538567, ClinGen allele CA10632195.

ClinVar aggregate classification (germline): Likely benign. Review status: criteria provided, multiple submitters, no conflicts (2 of 4 stars). 2 submissions from 2 submitters: Likely benign (2). Last evaluated 2018-06-19.

Allele frequency attached by ClinVar (database versions not stated): TOPMed 0.02022; gnomAD 0.02040 and 0.02159; 1000 Genomes Project 0.02077; 1000 Genomes Project 30x 0.01983.
gnomAD v4.1: 41,677 of 1,507,208 alleles (2.8%); highest among the groups gnomAD compares: Middle Eastern, 8.6%; 765 homozygotes.

Submissions (2):

GeneDx
Classification: Likely benign. Last evaluated: 2018-06-19. Review status: criteria provided, single submitter. Criteria: GeneDx Variant Classification (06012015). Collection method: clinical testing. Allele origin: germline. Affected: yes.
Comment: This variant is considered likely benign or benign based on one or more of the following criteria: it is a conservative change, it occurs at a poorly conserved position in the protein, it is predicted to be benign by multiple in silico algorithms, and/or has population frequency not consistent with disease.

Breakthrough Genomics
Classification: Likely benign. Review status: criteria provided, single submitter. Criteria: ACMG Guidelines, 2015. Collection method: not provided. Allele origin: germline. Inheritance: Autosomal recessive inheritance. Affected: yes.